The following is an entry in ClinVar:

ClinVar aggregate classification (germline): Uncertain significance. Review status: criteria provided, single submitter (1 of 4 stars). 2 submissions from 2 submitters: Uncertain significance (1). 1 of the submissions does not count toward it. Last evaluated 2019-09-21.

Conditions:
Usher syndrome type 1F (USH1F). Also called: USHER SYNDROME, TYPE IF. Identifiers: Orphanet 231169, Orphanet 886, MedGen C1865885, MONDO:0011186, OMIM 602083.

Submissions (2):

Labcorp Genetics (formerly Invitae), Labcorp
Classification: Uncertain significance. Last evaluated: 2019-09-21. Review status: criteria provided, single submitter. Criteria: Invitae Variant Classification Sherloc (09022015). Collection method: clinical testing. Allele origin: germline.
Comment: This variant, c.5343_5351del, results in the deletion of 3 amino acid(s) of the PCDH15 protein (p.Pro1783_Ser1785del), but otherwise preserves the integrity of the reading frame. This variant is not present in population databases (ExAC no frequency). This variant has not been reported in the literature in individuals with PCDH15-related conditions. Experimental studies and prediction algorithms are not available or were not evaluated for this variant, and the functional significance of this variant is currently unknown. In summary, the available evidence is currently insufficient to determine the role of this variant in disease. Therefore, it has been classified as a Variant of Uncertain Significance.

Natera, Inc.
Classification: Uncertain significance for Usher syndrome type 1F. Last evaluated: 2021-04-23. Review status: no assertion criteria provided. Collection method: clinical testing. Allele origin: germline. Not counted in ClinVar's aggregate classification.

NM_033056.4(PCDH15):c.5343_5351del (p.1780PPS[1])

Gene: PCDH15 (protocadherin related 15; minus strand). Cytogenetic location: 10q21.1.
Variant type: Deletion.
Coding change: c.5343_5351del on transcript NM_033056.4 (MANE Plus Clinical); coding-DNA positions 5343 to 5351, 9 bases deleted (CTCTCCTCC; older notation c.5343_5351delCTCTCCTCC).
Protein change: p.1780PPS[1].
Molecular consequence: inframe deletion. On other transcripts: intron variant (8).
Genome position (GRCh38, 1-based): chr10:53,822,375-53,822,383, GGAGGAGAG deleted on the plus strand (CTCTCCTCC on the coding strand, the reverse complement: PCDH15 is on the minus strand); deleting any 9 consecutive bases within chr10:53,822,375-53,822,390 gives the same sequence; the c. name uses the placement nearest the transcript's 3' end. VCF-style (leftmost placement, unchanged base first): chr10-53822374-AGGAGGAGAG-A. GRCh37 (hg19) VCF-style: chr10-55582134-AGGAGGAGAG-A.
Other names: c.4409+2753_4409+2761del (NM_001142769.3); c.5274_5282del, p.1757PPS[1] (NM_001142773.2); c.5277_5285del, p.1758PPS[1] (NM_001354404.2); c.4367+5010_4367+5018del (NM_001354420.2); c.4368-4370_4368-4362del (NM_001354429.2); c.4368-2153_4368-2145del (NM_001384140.1); c.4373+2753_4373+2761del (NM_001142772.2, NM_001142770.3); c.4388+2753_4388+2761del (NM_001142771.2); and 7 more.
Identifiers: ClinVar variation 969759 (VCV000969759.4), dbSNP rs2076338069, ClinGen allele CA1139661439.